The following is an entry in ClinVar:

NM_002872.5(RAC2):c.571C>T (p.Leu191Phe)

Gene: RAC2 (Rac family small GTPase 2; minus strand). Cytogenetic location: 22q13.1.
Variant type: single nucleotide variant.
Coding change: c.571C>T on transcript NM_002872.5 (MANE Select); coding-DNA position 571, C replaced by T.
Protein change: p.Leu191Phe; replaces leucine 191 with phenylalanine.
Molecular consequence: missense variant.
Genome position (GRCh38, 1-based): chr22:37,226,681, G>A on the plus strand (C>T on the coding strand, the complement: RAC2 is on the minus strand). VCF-style: chr22-37226681-G-A. GRCh37 (hg19) VCF-style: chr22-37622721-G-A.
Other names: c.571C>T (NM_002872.3); short protein forms L191F.
Identifiers: ClinVar variation 961653 (VCV000961653.11), dbSNP rs755097815, ClinGen allele CA10217450.
Genomic context (GRCh38, chr22:37,226,681, plus strand): 5'-CCAGGGCCTGCTGTGTATGGGAGTTGGGCACTAGAGTGGGGGACTCTTACCCCTAGAGGA[G>A]GCTGCAGGCGCGCTTCTGCTGCCGCGTGGGCTGAGGGCACAGCACGGCCCGGATGGCCTC-3'
Protein context (NP_002863.1, residues 181-192): PTRQQKRACS[Leu191Phe]L

ClinVar aggregate classification (germline): Uncertain significance. Review status: criteria provided, multiple submitters, no conflicts (2 of 4 stars). 2 submissions from 2 submitters: Uncertain significance (2). Last evaluated 2025-08-21.

Conditions:
Neutrophil immunodeficiency syndrome. Also called: Immunodeficiency 73A with defective neutrophil chemotaxis and leukocytosis. Identifiers: Orphanet 183707, MedGen C1842398, MONDO:0011988, OMIM 608203.
Inborn genetic diseases. Identifiers: MedGen C0950123, MeSH D030342.

Allele frequency attached by ClinVar (database versions not stated): ExAC 0.00002; gnomAD exomes 0.00002; TOPMed 0.00004; gnomAD 0.00005 and 0.00006.
gnomAD v4.1: 37 of 1,612,778 alleles (0.0023%); highest among the groups gnomAD compares: Admixed American, 0.013%; no homozygotes.

Submissions (2):

Ambry Genetics
Classification: Uncertain significance for Inborn genetic diseases. Last evaluated: 2025-08-21. Review status: criteria provided, single submitter. Criteria: Ambry Variant Classification Scheme 2023. Collection method: clinical testing. Allele origin: germline.

Labcorp Genetics (formerly Invitae), Labcorp
Classification: Uncertain significance for Neutrophil immunodeficiency syndrome. Last evaluated: 2025-02-25. Review status: criteria provided, single submitter. Criteria: Invitae Variant Classification Sherloc (09022015). Collection method: clinical testing. Allele origin: germline.
Comment: This sequence change replaces leucine, which is neutral and non-polar, with phenylalanine, which is neutral and non-polar, at codon 191 of the RAC2 protein (p.Leu191Phe). This variant is present in population databases (rs755097815, gnomAD 0.01%). This variant has not been reported in the literature in individuals affected with RAC2-related conditions. ClinVar contains an entry for this variant (Variation ID: 961653). Invitae Evidence Modeling of protein sequence and biophysical properties (such as structural, functional, and spatial information, amino acid conservation, physicochemical variation, residue mobility, and thermodynamic stability) indicates that this missense variant is not expected to disrupt RAC2 protein function with a negative predictive value of 95%. In summary, the available evidence is currently insufficient to determine the role of this variant in disease. Therefore, it has been classified as a Variant of Uncertain Significance.